The following is an entry in ClinVar:

NM_015141.4(GPD1L):c.158C>G (p.Thr53Arg)

Gene: GPD1L (glycerol-3-phosphate dehydrogenase 1 like; plus strand). Cytogenetic location: 3p22.3.
Variant type: single nucleotide variant.
Coding change: c.158C>G on transcript NM_015141.4 (MANE Select); coding-DNA position 158, C replaced by G.
Protein change: p.Thr53Arg; replaces threonine 53 with arginine.
Molecular consequence: missense variant.
Genome position (GRCh38, 1-based): chr3:32,128,186, C>G. VCF-style: chr3-32128186-C-G. GRCh37 (hg19) VCF-style: chr3-32169678-C-G.
Other names: c.158C>G (NM_015141.3); short protein forms T53R.
Identifiers: ClinVar variation 1496581 (VCV001496581.10), dbSNP rs1053382446, ClinGen allele CA72561123.

ClinVar aggregate classification (germline): Uncertain significance. Review status: criteria provided, multiple submitters, no conflicts (2 of 4 stars). 3 submissions from 3 submitters: Uncertain significance (3). Last evaluated 2024-09-03.

Conditions:
Brugada syndrome. Also called: Sudden unexpected nocturnal death syndrome; Sudden Unexplained Death Syndrome; Sudden Unexplained Nocturnal Death Syndrome (SUNDS); Sudden unexplained nocturnal death syndrome. Identifiers: Orphanet 130, MedGen C1142166, MONDO:0015263.
Brugada syndrome 2 (BRGDA2). Identifiers: Orphanet 130, MedGen C2673193, MONDO:0012728, OMIM 611777.
Cardiovascular phenotype. Identifiers: MedGen CN230736.

Allele frequency attached by ClinVar (database versions not stated): TOPMed 0.00001; gnomAD 0.00002.
gnomAD v4.1: 6 of 1,612,828 alleles (0.00037%); highest among the groups gnomAD compares: African/African-American, 0.0013%; no homozygotes.

Submissions (3):

Labcorp Genetics (formerly Invitae), Labcorp
Classification: Uncertain significance for Brugada syndrome. Last evaluated: 2024-09-03. Review status: criteria provided, single submitter. Criteria: Invitae Variant Classification Sherloc (09022015). Collection method: clinical testing. Allele origin: germline.
Comment: This sequence change replaces threonine, which is neutral and polar, with arginine, which is basic and polar, at codon 53 of the GPD1L protein (p.Thr53Arg). This variant is present in population databases (no rsID available, gnomAD 0.007%). This variant has not been reported in the literature in individuals affected with GPD1L-related conditions. ClinVar contains an entry for this variant (Variation ID: 1496581). Invitae Evidence Modeling of protein sequence and biophysical properties (such as structural, functional, and spatial information, amino acid conservation, physicochemical variation, residue mobility, and thermodynamic stability) indicates that this missense variant is not expected to disrupt GPD1L protein function with a negative predictive value of 80%. In summary, the available evidence is currently insufficient to determine the role of this variant in disease. Therefore, it has been classified as a Variant of Uncertain Significance.

Ambry Genetics
Classification: Uncertain significance for Cardiovascular phenotype. Last evaluated: 2024-03-07. Review status: criteria provided, single submitter. Criteria: Ambry Variant Classification Scheme 2023. Collection method: clinical testing. Allele origin: germline.
Comment: The p.T53R variant (also known as c.158C>G), located in coding exon 2 of the GPD1L gene, results from a C to G substitution at nucleotide position 158. The threonine at codon 53 is replaced by arginine, an amino acid with similar properties. This amino acid position is conserved. In addition, the in silico prediction for this alteration is inconclusive. Based on the available evidence, the clinical significance of this alteration remains unclear.

Fulgent Genetics
Classification: Uncertain significance for Brugada syndrome 2. Last evaluated: 2021-07-19. Review status: criteria provided, single submitter. Criteria: ACMG Guidelines, 2015. Collection method: clinical testing. Allele origin: unknown.